The following is an entry in ClinVar:

NM_003242.6(TGFBR2):c.1448G>C (p.Cys483Ser)

Gene: TGFBR2 (transforming growth factor beta receptor 2; plus strand). Cytogenetic location: 3p24.1.
Variant type: single nucleotide variant.
Coding change: c.1448G>C on transcript NM_003242.6 (MANE Select); coding-DNA position 1448, G replaced by C.
Protein change: p.Cys483Ser; replaces cysteine 483 with serine.
Molecular consequence: missense variant.
Genome position (GRCh38, 1-based): chr3:30,688,435, G>C. VCF-style: chr3-30688435-G-C. GRCh37 (hg19) VCF-style: chr3-30729927-G-C.
Other names: c.1523G>C, p.Cys508Ser (NM_001024847.3); c.1631G>C, p.Cys544Ser (NM_001407126.1); c.1556G>C, p.Cys519Ser (NM_001407127.1); c.1475G>C, p.Cys492Ser (NM_001407128.1); c.1451G>C, p.Cys484Ser (NM_001407129.1); c.1445G>C, p.Cys482Ser (NM_001407130.1); c.1343G>C, p.Cys448Ser (NM_001407132.1, NM_001407133.1, NM_001407134.1 and 2 more transcripts); c.1163G>C, p.Cys388Ser (NM_001407137.1); and 3 more; short protein forms C193S, C363S, C388S, C448S, C482S, C483S, C484S, C492S.
Identifiers: ClinVar variation 3386072 (VCV003386072.2).

ClinVar aggregate classification (germline): Uncertain significance. Review status: criteria provided, multiple submitters, no conflicts (2 of 4 stars). 2 submissions from 2 submitters: Uncertain significance (2). Last evaluated 2026-04-01.

Conditions:
Loeys-Dietz syndrome 2 (LDS2). Also called: TGFBR2-Related Loeys-Dietz Syndrome; AORTIC ANEURYSM, FAMILIAL THORACIC 3; MARFAN SYNDROME, TYPE II; Marfan syndrome, type 2 (formerly); Marfan Syndrome type 2; Marfan like connective tissue disorder. Identifiers: Orphanet 284973, Orphanet 558, MedGen C2674574, MONDO:0012427, OMIM 610168.

gnomAD v4.1: 1 of 1,614,188 alleles (0.000062%); highest among the groups gnomAD compares: Non-Finnish European, 0.000085%; no homozygotes.

Submissions (2):

GeneDx
Classification: Uncertain significance. Last evaluated: 2026-04-01. Review status: criteria provided, single submitter. Criteria: GeneDx Variant Classification Process June 2021. Collection method: clinical testing. Allele origin: germline.
Comment: Not observed at significant frequency in large population cohorts (gnomAD); In silico analysis supports that this missense variant has a deleterious effect on protein structure/function; Has not been previously published as pathogenic or benign to our knowledge

All of Us Research Program, National Institutes of Health
Classification: Uncertain significance for Loeys-Dietz syndrome 2. Last evaluated: 2024-05-09. Review status: criteria provided, single submitter. Criteria: ACMG Guidelines, 2015. Collection method: clinical testing. Allele origin: germline. Inheritance: Autosomal dominant inheritance. Observed: 1 variant allele, 1 heterozygote.
Comment: This study involves interpretation of variants in research participants for the purpose of population health screening. Participant phenotype was not available at the time of variant classification. Additional details can be found in publication PMID: 35346344, PMCID: PMC8962531